The following is an entry in ClinVar:

ClinVar aggregate classification (germline): Uncertain significance (1 of 4 stars; one submission).

Allele frequency attached by ClinVar (database versions not stated): gnomAD 0.00001; gnomAD exomes 0.00002; ExAC 0.00003.
gnomAD v4.1: 28 of 1,613,504 alleles (0.0017%); highest among the groups gnomAD compares: South Asian, 0.027%; 1 homozygote.

Submission:

Labcorp Genetics (formerly Invitae), Labcorp
Classification: Uncertain significance. Last evaluated: 2023-05-01. Review status: criteria provided, single submitter. Criteria: Invitae Variant Classification Sherloc (09022015). Collection method: clinical testing. Allele origin: germline.
Comment: This sequence change replaces phenylalanine, which is neutral and non-polar, with leucine, which is neutral and non-polar, at codon 248 of the SGMS2 protein (p.Phe248Leu). This variant is present in population databases (rs761998905, gnomAD 0.03%). This variant has not been reported in the literature in individuals affected with SGMS2-related conditions. Advanced modeling of protein sequence and biophysical properties (such as structural, functional, and spatial information, amino acid conservation, physicochemical variation, residue mobility, and thermodynamic stability) performed at Invitae indicates that this missense variant is not expected to disrupt SGMS2 protein function. In summary, the available evidence is currently insufficient to determine the role of this variant in disease. Therefore, it has been classified as a Variant of Uncertain Significance.

NM_001375905.1(SGMS2):c.742T>C (p.Phe248Leu)

Genes: CYP2U1-AS1 (CYP2U1 and SGMS2 antisense RNA 1; minus strand), SGMS2 (sphingomyelin synthase 2; plus strand). Cytogenetic location: 4q25.
Variant type: single nucleotide variant.
Coding change: c.742T>C on transcript NM_001375905.1 (MANE Select); coding-DNA position 742, T replaced by C.
Protein change: p.Phe248Leu; replaces phenylalanine 248 with leucine.
Molecular consequence: missense variant. On other transcripts: intron variant (1).
Genome position (GRCh38, 1-based): chr4:107,908,579, T>C. VCF-style: chr4-107908579-T-C. GRCh37 (hg19) VCF-style: chr4-108829735-T-C.
Other names: c.742T>C, p.Phe248Leu (NM_001136257.2, NM_001136258.2, NM_001375906.1 and 3 more transcripts); c.223T>C, p.Phe75Leu (NM_001375911.1); c.728-1771T>C (NM_001375910.1); short protein forms F75L, F248L.
Identifiers: ClinVar variation 2873193 (VCV002873193.3), dbSNP rs761998905, ClinGen allele CA3036867.